The following is an entry in ClinVar:

ClinVar aggregate classification (germline): Likely pathogenic (1 of 4 stars; one submission).

Conditions:
Fanconi anemia complementation group Q. Identifiers: Orphanet 84, MedGen C3808988, MONDO:0014108, OMIM 615272.

Submission:

St. Jude Molecular Pathology, St. Jude Children's Research Hospital
Classification: Likely pathogenic for Fanconi anemia complementation group Q. Last evaluated: 2021-07-29. Review status: criteria provided, single submitter. Criteria: St. Jude Assertion Criteria 2020. Collection method: clinical testing. Allele origin: germline.
Comment: The ERCC4 c.616C>T (p.Gln206Ter) change is a nonsense variant that is predicted to cause premature protein truncation and loss of normal protein function (PVS1). This variant is absent in gnomAD v2.1.1 (PM2_supporting). To our knowledge, this variant has not been reported in individuals with Fanconi anemia or Xeroderma pigmentosum. In summary, this variant meets criteria to be classified as likely pathogenic based on the ACMG/AMP criteria: PVS1, PM2_supporting.

NM_005236.3(ERCC4):c.616C>T (p.Gln206Ter)

Gene: ERCC4 (ERCC excision repair 4, endonuclease catalytic subunit; plus strand). Cytogenetic location: 16p13.12.
Variant type: single nucleotide variant.
Coding change: c.616C>T on transcript NM_005236.3 (MANE Select); coding-DNA position 616, C replaced by T.
Protein change: p.Gln206Ter; replaces glutamine 206 with a stop codon.
Molecular consequence: nonsense.
Genome position (GRCh38, 1-based): chr16:13,928,059, C>T. VCF-style: chr16-13928059-C-T. GRCh37 (hg19) VCF-style: chr16-14021916-C-T.
Other names: short protein forms Q206*.
Identifiers: ClinVar variation 1192511 (VCV001192511.2), dbSNP rs2141946068, ClinGen allele CA394802259.
Genomic context (GRCh38, chr16:13,928,059, plus strand): 5'-AAATTGTTGAAAAATATTTGTCTCTTTAGGTTCCATGTAGCAGTAAACTCATTTTTAGAA[C>T]AGCACAAACCTGAAGTTGTAGAAATCCATGTTTCTATGACACCTACCATGCTTGCTATAC-3'